The following is an entry in ClinVar:

NM_000535.7(PMS2):c.1557T>G (p.Tyr519Ter)

Gene: PMS2 (PMS1 homolog 2, mismatch repair system component; minus strand). Cytogenetic location: 7p22.1.
Variant type: single nucleotide variant.
Coding change: c.1557T>G on transcript NM_000535.7 (MANE Select); coding-DNA position 1557, T replaced by G.
Protein change: p.Tyr519Ter; replaces tyrosine 519 with a stop codon.
Molecular consequence: nonsense. On other transcripts: non-coding transcript variant (1).
Genome position (GRCh38, 1-based): chr7:5,987,208, A>C on the plus strand (T>G on the coding strand, the complement: PMS2 is on the minus strand). VCF-style: chr7-5987208-A-C. GRCh37 (hg19) VCF-style: chr7-6026839-A-C.
Other names: c.1152T>G, p.Tyr384Ter (NM_001322003.2, NM_001322004.2, NM_001322005.2 and 1 more transcripts); c.1401T>G, p.Tyr467Ter (NM_001322006.2); c.1239T>G, p.Tyr413Ter (NM_001322007.2, NM_001322008.2); c.996T>G, p.Tyr332Ter (NM_001322010.2); c.624T>G, p.Tyr208Ter (NM_001322011.2, NM_001322012.2); c.984T>G, p.Tyr328Ter (NM_001322013.2); c.1557T>G, p.Tyr519Ter (NM_001322014.2); c.1248T>G, p.Tyr416Ter (NM_001322015.2); short protein forms Y208*, Y328*, Y332*, Y384*, Y413*, Y416*, Y467*, Y519*.
Identifiers: ClinVar variation 1074176 (VCV001074176.12), dbSNP rs6972869, ClinGen allele CA366741593.

ClinVar aggregate classification (germline): Pathogenic. Review status: criteria provided, multiple submitters, no conflicts (2 of 4 stars). 4 submissions from 4 submitters: Pathogenic (4). Last evaluated 2024-09-09.

Conditions:
Hereditary cancer-predisposing syndrome. Also called: Tumor predisposition; Hereditary neoplastic syndrome; Neoplastic Syndromes, Hereditary; Hereditary Cancer Syndrome. Identifiers: Orphanet 140162, MedGen C0027672, MeSH D009386, MONDO:0015356.
Lynch syndrome. Identifiers: Orphanet 144, MedGen C4552100, MONDO:0005835. Disease mechanism: loss of function.
Hereditary nonpolyposis colorectal neoplasms. Identifiers: MedGen C0009405, MeSH D003123.
Lynch syndrome 4 (LYNCH4). Also called: Colorectal cancer, hereditary nonpolyposis, type 4; Hereditary non-polyposis colorectal cancer, type 4. Identifiers: Orphanet 144, MedGen C1838333, MONDO:0013699, OMIM 614337. Disease mechanism: loss of function.

Submissions (4):

All of Us Research Program, National Institutes of Health
Classification: Pathogenic for Lynch syndrome. Last evaluated: 2024-09-09. Review status: criteria provided, single submitter. Criteria: ACMG Guidelines, 2015. Collection method: clinical testing. Allele origin: germline. Inheritance: Autosomal dominant inheritance. Observed: 1 variant allele, 1 heterozygote.
Comment: The c.1557T>G variant in the PMS2 gene is located on the exon 11 and introduces a premature translation termination codon (p.Tyr519*), resulting in an absent or disrupted protein product. Other premature termination codon variants located in the same exon (p.Lys647*, p.Thr408Leufs*40) have been interpreted as pathogenic by the expert panel (ClinVar ID: 91321, 9235). Loss-of-function variants in the PMS2 gene are known to be pathogenic (PMID: 28514183, 25512458, 35223509). This variant has been reported in ClinVar (ID: 1074176). The variant is absent in the general population according to gnomAD v4.1. Therefore, the c.1557T>G (p.Tyr519*) variant in the PMS2 gene has been classified as pathogenic.

This study involves interpretation of variants in research participants for the purpose of population health screening. Participant phenotype was not available at the time of variant classification. Additional details can be found in publication PMID: 35346344, PMCID: PMC8962531

Ambry Genetics
Classification: Pathogenic for Hereditary cancer-predisposing syndrome. Last evaluated: 2024-05-28. Review status: criteria provided, single submitter. Criteria: Ambry Variant Classification Scheme 2023. Collection method: clinical testing. Allele origin: germline.
Comment: The p.Y519* pathogenic mutation (also known as c.1557T>G), located in coding exon 11 of the PMS2 gene, results from a T to G substitution at nucleotide position 1557. This changes the amino acid from a tyrosine to a stop codon within coding exon 11. This alteration is expected to result in loss of function by premature protein truncation or nonsense-mediated mRNA decay. As such, this alteration is interpreted as a disease-causing mutation.

Myriad Genetics, Inc.
Classification: Pathogenic for Lynch syndrome 4. Last evaluated: 2023-09-20. Review status: criteria provided, single submitter. Criteria: Myriad Autosomal Dominant, Autosomal Recessive and X-Linked Classification Criteria (2023). Collection method: clinical testing. Allele origin: unknown.
Comment: This variant is considered pathogenic. This variant creates a termination codon and is predicted to result in premature protein truncation.

Labcorp Genetics (formerly Invitae), Labcorp
Classification: Pathogenic for Hereditary nonpolyposis colorectal neoplasms. Last evaluated: 2023-05-23. Review status: criteria provided, single submitter. Criteria: Invitae Variant Classification Sherloc (09022015). Collection method: clinical testing. Allele origin: germline.
Comment: For these reasons, this variant has been classified as Pathogenic. ClinVar contains an entry for this variant (Variation ID: 1074176). This variant has not been reported in the literature in individuals affected with PMS2-related conditions. This variant is not present in population databases (gnomAD no frequency). This sequence change creates a premature translational stop signal (p.Tyr519*) in the PMS2 gene. It is expected to result in an absent or disrupted protein product. Loss-of-function variants in PMS2 are known to be pathogenic (PMID: 21376568, 24362816).

Literature cited by the submitters: PubMed 25512458 (cited by All of Us Research Program, National Institutes of Health); PubMed 28514183 (cited by All of Us Research Program, National Institutes of Health); PubMed 35223509 (cited by All of Us Research Program, National Institutes of Health); PubMed 21376568 (cited by Labcorp Genetics (formerly Invitae), Labcorp); PubMed 24362816 (cited by Labcorp Genetics (formerly Invitae), Labcorp).